The following is an entry in ClinVar:

NM_001606.5(ABCA2):c.1407C>T (p.Val469=)

Gene: ABCA2 (ATP binding cassette subfamily A member 2; minus strand). Cytogenetic location: 9q34.3.
Variant type: single nucleotide variant.
Coding change: c.1407C>T on transcript NM_001606.5 (MANE Select); coding-DNA position 1407, C replaced by T.
Protein change: p.Val469=; no amino-acid change (valine 469 retained).
Molecular consequence: synonymous variant.
Genome position (GRCh38, 1-based): chr9:137,020,354, G>A on the plus strand (C>T on the coding strand, the complement: ABCA2 is on the minus strand). VCF-style: chr9-137020354-G-A. GRCh37 (hg19) VCF-style: chr9-139914806-G-A.
Other names: c.1404C>T, p.Val468= (NM_001411042.1); c.1497C>T, p.Val499= (NM_212533.3).
Identifiers: ClinVar variation 3352815 (VCV003352815.1).

ClinVar aggregate classification (germline): Likely benign (0 of 4 stars; one submission).

Conditions:
ABCA2-related disorder. Also called: ABCA2-related condition.

gnomAD v4.1: 39 of 1,612,770 alleles (0.0024%); highest among the groups gnomAD compares: East Asian, 0.025%; no homozygotes.

Submission:

PreventionGenetics, part of Exact Sciences
Classification: Likely benign for ABCA2-related condition. Last evaluated: 2019-04-12. Review status: no assertion criteria provided. Collection method: clinical testing. Allele origin: germline.
Comment: This variant is classified as likely benign based on ACMG/AMP sequence variant interpretation guidelines (Richards et al. 2015 PMID: 25741868, with internal and published modifications).